The following is an entry in ClinVar:

NM_001105206.3(LAMA4):c.1141G>A (p.Ala381Thr)

Gene: LAMA4 (laminin subunit alpha 4; minus strand). Cytogenetic location: 6q21.
Variant type: single nucleotide variant.
Coding change: c.1141G>A on transcript NM_001105206.3 (MANE Select); coding-DNA position 1141, G replaced by A.
Protein change: p.Ala381Thr; replaces alanine 381 with threonine.
Molecular consequence: missense variant.
Genome position (GRCh38, 1-based): chr6:112,178,169, C>T on the plus strand (G>A on the coding strand, the complement: LAMA4 is on the minus strand). VCF-style: chr6-112178169-C-T. GRCh37 (hg19) VCF-style: chr6-112499371-C-T.
Other names: c.1120G>A, p.Ala374Thr (NM_001105207.3, NM_002290.5); short protein forms A381T, A374T.
Identifiers: ClinVar variation 1797705 (VCV001797705.5), dbSNP rs141633339, ClinGen allele CA3965850.

ClinVar aggregate classification (germline): Conflicting classifications of pathogenicity. Review status: criteria provided, conflicting classifications (1 of 4 stars). 2 submissions from 2 submitters: Uncertain significance (1); Likely benign (1). Last evaluated 2025-04-20.

Conditions:
Cardiovascular phenotype. Identifiers: MedGen CN230736.
Dilated cardiomyopathy 1JJ (CMD1JJ). Identifiers: Orphanet 154, MedGen C3808935, MONDO:0014095, OMIM 615235.

Allele frequency attached by ClinVar (database versions not stated): ESP Exome Variant Server 0.00015; ExAC 0.00003.
gnomAD v4.1: 20 of 1,613,772 alleles (0.0012%); highest among the groups gnomAD compares: South Asian, 0.012%; no homozygotes.

Submissions (2):

Labcorp Genetics (formerly Invitae), Labcorp
Classification: Uncertain significance for Dilated cardiomyopathy 1JJ. Last evaluated: 2025-04-20. Review status: criteria provided, single submitter. Criteria: Invitae Variant Classification Sherloc (09022015). Collection method: clinical testing. Allele origin: germline.
Comment: This sequence change replaces alanine, which is neutral and non-polar, with threonine, which is neutral and polar, at codon 374 of the LAMA4 protein (p.Ala374Thr). This variant is present in population databases (rs141633339, gnomAD 0.01%). This variant has not been reported in the literature in individuals affected with LAMA4-related conditions. ClinVar contains an entry for this variant (Variation ID: 1797705). Invitae Evidence Modeling of protein sequence and biophysical properties (such as structural, functional, and spatial information, amino acid conservation, physicochemical variation, residue mobility, and thermodynamic stability) indicates that this missense variant is not expected to disrupt LAMA4 protein function with a negative predictive value of 80%. In summary, the available evidence is currently insufficient to determine the role of this variant in disease. Therefore, it has been classified as a Variant of Uncertain Significance.

Ambry Genetics
Classification: Likely benign for Cardiovascular phenotype. Last evaluated: 2023-12-14. Review status: criteria provided, single submitter. Criteria: Ambry Variant Classification Scheme 2023. Collection method: clinical testing. Allele origin: germline.